The following is an entry in ClinVar:

NM_001166108.2(PALLD):c.416A>G (p.Lys139Arg)

Gene: PALLD (palladin, cytoskeletal associated protein; plus strand). Cytogenetic location: 4q32.3.
Variant type: single nucleotide variant.
Coding change: c.416A>G on transcript NM_001166108.2 (MANE Select); coding-DNA position 416, A replaced by G.
Protein change: p.Lys139Arg; replaces lysine 139 with arginine.
Molecular consequence: missense variant.
Genome position (GRCh38, 1-based): chr4:168,511,920, A>G. VCF-style: chr4-168511920-A-G. GRCh37 (hg19) VCF-style: chr4-169433071-A-G.
Other names: c.416A>G, p.Lys139Arg (NM_016081.4); short protein forms K139R.
Identifiers: ClinVar variation 1738394 (VCV001738394.2), dbSNP rs751216977, ClinGen allele CA3135365.

ClinVar aggregate classification (germline): Uncertain significance (1 of 4 stars; one submission).

Allele frequency attached by ClinVar (database versions not stated): gnomAD exomes 0.00003; ExAC 0.00007.
gnomAD v4.1: 39 of 1,614,236 alleles (0.0024%); highest among the groups gnomAD compares: South Asian, 0.042%; no homozygotes.

Submission:

Ambry Genetics
Classification: Uncertain significance. Last evaluated: 2024-01-31. Review status: criteria provided, single submitter. Criteria: Ambry Variant Classification Scheme 2023. Collection method: clinical testing. Allele origin: germline.
Comment: The p.K139R variant (also known as c.416A>G), located in coding exon 1 of the PALLD gene, results from an A to G substitution at nucleotide position 416. The lysine at codon 139 is replaced by arginine, an amino acid with highly similar properties. This amino acid position is conserved. In addition, this alteration is predicted to be tolerated by in silico analysis. Since supporting evidence is limited at this time, the clinical significance of this alteration remains unclear.